The following is an entry in ClinVar:

NM_020533.3(MCOLN1):c.810del (p.Ile271fs)

Gene: MCOLN1 (mucolipin TRP cation channel 1; plus strand). Cytogenetic location: 19p13.2.
Variant type: Deletion.
Coding change: c.810del on transcript NM_020533.3 (MANE Select); coding-DNA position 810, one base deleted (G; older notation c.810delG).
Protein change: p.Ile271fs; shifts the reading frame from isoleucine 271.
Molecular consequence: frameshift variant.
Genome position (GRCh38, 1-based): chr19:7,528,190, G deleted; the last of 2 consecutive G bases (chr19:7,528,189-7,528,190); deleting either gives the same sequence. VCF-style (leftmost placement, unchanged base first): chr19-7528188-CG-C. GRCh37 (hg19) VCF-style: chr19-7593074-CG-C.
Other names: short protein forms I271fs.
Identifiers: ClinVar variation 4816066 (VCV004816066.1).
Genomic context (GRCh38, chr19:7,528,188, plus strand): 5'-GTTTACTCTGCCCCCAACTGGCCCCCACAGATCACGTTTGACAACAAAGCACACAGTGGG[CG>C]GATCCCCATCAGCCTGGAGACCCAGGCCCACATCCAGGAGTGTAAGCACCCCAGTGTCTT-3'

ClinVar aggregate classification (germline): Likely pathogenic (1 of 4 stars; one submission).

Conditions:
Mucolipidosis type IV (ML4). Also called: ML IV. Identifiers: Orphanet 578, MedGen C0238286, MONDO:0009653, OMIM 252650.

Submission:

Natera, Inc.
Classification: Likely pathogenic for Mucolipidosis type IV. Last evaluated: 2024-06-06. Review status: criteria provided, single submitter. Criteria: Natera Variant Classification Schema (03/2026). Collection method: clinical testing. Allele origin: germline.
Comment: The c.810delG variant in MCOLN1 is a frameshift variant predicted to shift the reading frame beginning at codon 271 and leads to a stop codon 101 codons downstream. This variant is expected to result in nonsense mediated decay, truncation, or a dysfunctional protein product. This variant is rare in the general population with a frequency below the threshold expected for the associated phenotype(s). Given the available evidence, this variant is classified as Likely Pathogenic.